The following is an entry in ClinVar:

ClinVar aggregate classification (germline): Likely benign (1 of 4 stars; one submission).

Allele frequency attached by ClinVar (database versions not stated): TOPMed below 0.00001; gnomAD 0.00001.
gnomAD v4.1: 1 of 1,613,880 alleles (0.000062%); highest among the groups gnomAD compares: Non-Finnish European, 0.000085%; no homozygotes.

Submission:

CeGaT Center for Human Genetics Tuebingen
Classification: Likely benign. Last evaluated: 2022-06-01. Review status: criteria provided, single submitter. Criteria: CeGaT Center For Human Genetics Tuebingen Variant Classification Criteria Version 2. Collection method: clinical testing. Allele origin: germline. Affected: yes. Observed: 1 variant allele.
Comment: YWHAG: BP4, BP7

NM_012479.4(YWHAG):c.471C>T (p.Ala157=)

Gene: YWHAG (tyrosine 3-monooxygenase/tryptophan 5-monooxygenase activation protein gamma; minus strand). Cytogenetic location: 7q11.23.
Variant type: single nucleotide variant.
Coding change: c.471C>T on transcript NM_012479.4 (MANE Select); coding-DNA position 471, C replaced by T.
Protein change: p.Ala157=; no amino-acid change (alanine 157 retained).
Molecular consequence: synonymous variant.
Genome position (GRCh38, 1-based): chr7:76,329,850, G>A on the plus strand (C>T on the coding strand, the complement: YWHAG is on the minus strand). VCF-style: chr7-76329850-G-A. GRCh37 (hg19) VCF-style: chr7-75959167-G-A.
Identifiers: ClinVar variation 2657623 (VCV002657623.24), dbSNP rs968469035, ClinGen allele CA160927480.